The following is an entry in ClinVar:

ClinVar aggregate classification (germline): Uncertain significance (1 of 4 stars; one submission).

Conditions:
Welander distal myopathy (WDM). Also called: MUSCULAR DYSTROPHY, DISTAL, LATE-ONSET, AUTOSOMAL DOMINANT; Welander distal myopathy, Swedish type; Distal myopathy, Swedish type; Gower's muscular dystrophy. Identifiers: Orphanet 603, MedGen C0221054, MONDO:0011466, OMIM 604454.

Submission:

Labcorp Genetics (formerly Invitae), Labcorp
Classification: Uncertain significance for Welander distal myopathy. Last evaluated: 2025-09-29. Review status: criteria provided, single submitter. Criteria: Invitae Variant Classification Sherloc (09022015). Collection method: clinical testing. Allele origin: germline.
Comment: This sequence change replaces glutamine, which is neutral and polar, with arginine, which is basic and polar, at codon 100 of the TIA1 protein (p.Gln100Arg). This variant is not present in population databases (gnomAD no frequency). This variant has not been reported in the literature in individuals affected with TIA1-related conditions. An algorithm developed to predict the effect of missense changes on protein structure and function (PolyPhen-2) suggests that this variant is likely to be tolerated. In summary, the available evidence is currently insufficient to determine the role of this variant in disease. Therefore, it has been classified as a Variant of Uncertain Significance.

NM_022173.4(TIA1):c.299A>G (p.Gln100Arg)

Gene: TIA1 (TIA1 cytotoxic granule associated RNA binding protein; minus strand). Cytogenetic location: 2p13.3.
Variant type: single nucleotide variant.
Coding change: c.299A>G on transcript NM_022173.4 (MANE Select); coding-DNA position 299, A replaced by G.
Protein change: p.Gln100Arg; replaces glutamine 100 with arginine.
Molecular consequence: missense variant. On other transcripts: 5 prime UTR variant (2), non-coding transcript variant (9), intron variant (10).
Genome position (GRCh38, 1-based): chr2:70,229,070, T>C on the plus strand (A>G on the coding strand, the complement: TIA1 is on the minus strand). VCF-style: chr2-70229070-T-C. GRCh37 (hg19) VCF-style: chr2-70456202-T-C.
Other names: c.299A>G, p.Gln100Arg (NM_001351508.2, NM_001351516.2, NM_001351518.2 and 2 more transcripts); c.188A>G, p.Gln63Arg (NM_001351511.1); c.-345A>G (NM_001351517.2); c.305A>G, p.Gln102Arg (NM_001351520.2); c.-122A>G (NM_001351524.2); c.166+194A>G (NM_001351513.1); c.172+194A>G (NM_001351512.1); c.82+194A>G (NM_001351514.2, NM_001351523.2); and 4 more; short protein forms Q100R, Q102R, Q63R.
Identifiers: ClinVar variation 4710557 (VCV004710557.1).